The following is an entry in ClinVar:

NM_001379081.2(FREM1):c.4318G>A (p.Gly1440Ser)

Gene: FREM1 (FRAS1 related extracellular matrix 1; minus strand). Cytogenetic location: 9p22.3.
Variant type: single nucleotide variant.
Coding change: c.4318G>A on transcript NM_001379081.2 (MANE Select); coding-DNA position 4318, G replaced by A.
Protein change: p.Gly1440Ser; replaces glycine 1440 with serine.
Molecular consequence: missense variant. On other transcripts: non-coding transcript variant (1).
Genome position (GRCh38, 1-based): chr9:14,784,494, C>T on the plus strand (G>A on the coding strand, the complement: FREM1 is on the minus strand). VCF-style: chr9-14784494-C-T. GRCh37 (hg19) VCF-style: chr9-14784492-C-T.
Other names: c.4318G>A, p.Gly1440Ser (NM_144966.7); short protein forms G1440S.
Identifiers: ClinVar variation 1990 (VCV000001990.6), dbSNP rs121912610, ClinGen allele CA115306.

ClinVar aggregate classification (germline): Uncertain significance. Review status: criteria provided, multiple submitters, no conflicts (2 of 4 stars). 6 submissions from 6 submitters: Uncertain significance (4). 2 of the submissions do not count toward it. Last evaluated 2026-03-09.

Conditions:
Trigonocephaly 2 (TRIGNO2). Identifiers: Orphanet 3366, MedGen C3280974, MONDO:0013774, OMIM 614485.
BNAR syndrome. Also called: Bifid Nose With or Without Anorectal and Renal Anomalies (BNAR) Syndrome. Identifiers: Orphanet 217266, MedGen C2750433, MONDO:0012165, OMIM 608980.
Oculotrichoanal syndrome (MOTA). Also called: MARLES SYNDROME; Manitoba Oculotrichoanal (MOTA) Syndrome. Identifiers: Orphanet 2717, MedGen C1855425, MONDO:0009560, OMIM 248450.

Allele frequency attached by ClinVar (database versions not stated): gnomAD below 0.00001 and 0.00001; TOPMed below 0.00001; gnomAD exomes 0.00001 and 0.00002; ExAC 0.00002.
gnomAD v4.1: 17 of 1,613,676 alleles (0.0011%); highest among the groups gnomAD compares: South Asian, 0.016%; no homozygotes.

Submissions (6):

GeneDx
Classification: Uncertain significance. Last evaluated: 2026-03-09. Review status: criteria provided, single submitter. Criteria: GeneDx Variant Classification Process June 2021. Collection method: clinical testing. Allele origin: germline.
Comment: In silico analysis supports that this missense variant has a deleterious effect on protein structure/function; This variant is associated with the following publications: (PMID: 23221805, 28111185, 38097983, 28622873, 38719265, 19732862)

Labcorp Genetics (formerly Invitae), Labcorp
Classification: Uncertain significance. Last evaluated: 2025-08-07. Review status: criteria provided, single submitter. Criteria: Invitae Variant Classification Sherloc (09022015). Collection method: clinical testing. Allele origin: germline.
Comment: This sequence change replaces glycine, which is neutral and non-polar, with serine, which is neutral and polar, at codon 1440 of the FREM1 protein (p.Gly1440Ser). This variant is present in population databases (rs121912610, gnomAD 0.02%). This missense change has been observed in individual(s) with bifid nose with anorectal and renal anomalies (PMID: 19732862). ClinVar contains an entry for this variant (Variation ID: 1990). Invitae Evidence Modeling of protein sequence and biophysical properties (such as structural, functional, and spatial information, amino acid conservation, physicochemical variation, residue mobility, and thermodynamic stability) indicates that this missense variant is expected to disrupt FREM1 protein function with a positive predictive value of 80%. In summary, the available evidence is currently insufficient to determine the role of this variant in disease. Therefore, it has been classified as a Variant of Uncertain Significance.

Genomic Medicine Center of Excellence, King Faisal Specialist Hospital and Research Centre
Classification: Uncertain significance for Oculotrichoanal syndrome. Last evaluated: 2024-03-17. Review status: criteria provided, single submitter. Criteria: ACMG Guidelines, 2015. Collection method: research. Allele origin: germline.

Fulgent Genetics
Classification: Uncertain significance for Oculotrichoanal syndrome; BNAR syndrome; Trigonocephaly 2. Last evaluated: 2024-01-30. Review status: criteria provided, single submitter. Criteria: ACMG Guidelines, 2015. Collection method: clinical testing. Allele origin: germline.

OMIM
Classification: Pathogenic for BIFID NOSE WITH OR WITHOUT ANORECTAL AND RENAL ANOMALIES. Last evaluated: 2009-09-01. Review status: no assertion criteria provided. Collection method: literature only. Allele origin: germline. Not counted in ClinVar's aggregate classification.

UniProtKB/Swiss-Prot
No classification provided. Review status: no classification provided. Collection method: not provided. Allele origin: not provided. Not counted in ClinVar's aggregate classification.

Literature cited by the submitters: PubMed 19732862 (cited by Labcorp Genetics (formerly Invitae), Labcorp and OMIM).